The following is an entry in ClinVar:

ClinVar aggregate classification (germline): Benign/Likely benign. Review status: criteria provided, multiple submitters, no conflicts (2 of 4 stars). 3 submissions from 3 submitters: Benign (1); Likely benign (2). Last evaluated 2026-07-14.

Conditions:
Rhabdoid tumor predisposition syndrome 2 (RTPS2). Identifiers: Orphanet 231108, Orphanet 69077, MedGen C2750074, MONDO:0013224, OMIM 613325.
Hereditary cancer-predisposing syndrome. Also called: Tumor predisposition; Neoplastic Syndromes, Hereditary; Hereditary Cancer Syndrome; Hereditary neoplastic syndrome. Identifiers: Orphanet 140162, MedGen C0027672, MeSH D009386, MONDO:0015356.

Allele frequency attached by ClinVar (database versions not stated): gnomAD exomes below 0.00001 and 0.00002; gnomAD 0.00002 and 0.00003; ExAC 0.00001; TOPMed 0.00002.
gnomAD v4.1: 5 of 1,613,134 alleles (0.00031%); highest among the groups gnomAD compares: African/African-American, 0.0067%; no homozygotes.

Submissions (3):

Myriad Genetics, Inc.
Classification: Benign for Rhabdoid tumor predisposition syndrome 2. Last evaluated: 2026-07-14. Review status: criteria provided, single submitter. Criteria: Myriad Autosomal Dominant, Autosomal Recessive and X-Linked Classification Criteria (2023). Collection method: clinical testing. Allele origin: unknown.
Comment: This variant is considered benign. This variant is a silent/synonymous amino acid change and it is not expected to impact splicing.

Labcorp Genetics (formerly Invitae), Labcorp
Classification: Likely benign for Rhabdoid tumor predisposition syndrome 2. Last evaluated: 2025-10-01. Review status: criteria provided, single submitter. Criteria: Invitae Variant Classification Sherloc (09022015). Collection method: clinical testing. Allele origin: germline.

Ambry Genetics
Classification: Likely benign for Hereditary cancer-predisposing syndrome. Last evaluated: 2015-12-16. Review status: criteria provided, single submitter. Criteria: Ambry Variant Classification Scheme 2023. Collection method: clinical testing. Allele origin: germline.

NM_003072.5(SMARCA4):c.3144C>T (p.His1048=)

Gene: SMARCA4 (SWI/SNF related BAF chromatin remodeling complex subunit ATPase 4; plus strand). Cytogenetic location: 19p13.2.
Variant type: single nucleotide variant.
Coding change: c.3144C>T on transcript NM_003072.5 (MANE Select); coding-DNA position 3144, C replaced by T.
Protein change: p.His1048=; no amino-acid change (histidine 1048 retained).
Molecular consequence: synonymous variant. On other transcripts: non-coding transcript variant (1).
Genome position (GRCh38, 1-based): chr19:11,025,484, C>T. VCF-style: chr19-11025484-C-T. GRCh37 (hg19) VCF-style: chr19-11136160-C-T.
Other names: c.3144C>T, p.His1048= (NM_001128844.3, NM_001128845.2, NM_001128846.2 and 5 more transcripts).
Identifiers: ClinVar variation 480590 (VCV000480590.17), dbSNP rs778369345, ClinGen allele CA9204326.